The following is an entry in ClinVar:

NM_001407.3(CELSR3):c.7034G>A (p.Arg2345His)

Gene: CELSR3 (cadherin EGF LAG seven-pass G-type receptor 3; minus strand). Cytogenetic location: 3p21.31.
Variant type: single nucleotide variant.
Coding change: c.7034G>A on transcript NM_001407.3 (MANE Select); coding-DNA position 7034, G replaced by A.
Protein change: p.Arg2345His; replaces arginine 2345 with histidine.
Molecular consequence: missense variant.
Genome position (GRCh38, 1-based): chr3:48,647,936, C>T on the plus strand (G>A on the coding strand, the complement: CELSR3 is on the minus strand). VCF-style: chr3-48647936-C-T. GRCh37 (hg19) VCF-style: chr3-48685369-C-T.
Other names: c.7034G>A (NM_001407.2); short protein forms R2345H.
Identifiers: ClinVar variation 2653799 (VCV002653799.25), dbSNP rs886456680, ClinGen allele CA74005295.
Genomic context (GRCh38, chr3:48,647,936, plus strand): 5'-AGCAGCACATGGGTGTGAGGATCCCAGGCATCCTGGCCTCGAAAGAGGTTGCTATGGTAG[C>T]GAGGGTAGCGACGGGCCCCCCGGGGAGAACTGGGGTGCTCCATGCGGTCAATGCTGAGCA-3'
Protein context (NP_001398.2, residues 2335-2355): SSPRGARRYP[Arg2345His]YHSNLFRGQD

ClinVar aggregate classification (germline): Uncertain significance. Review status: criteria provided, multiple submitters, no conflicts (2 of 4 stars). 2 submissions from 2 submitters: Uncertain significance (2). Last evaluated 2025-02-14.

Allele frequency attached by ClinVar (database versions not stated): gnomAD exomes below 0.00001; gnomAD 0.00001; TOPMed 0.00001.
gnomAD v4.1: 7 of 1,611,910 alleles (0.00043%); highest among the groups gnomAD compares: Admixed American, 0.005%; no homozygotes.

Submissions (2):

Ambry Genetics
Classification: Uncertain significance. Last evaluated: 2025-02-14. Review status: criteria provided, single submitter. Criteria: Ambry Variant Classification Scheme 2023. Collection method: clinical testing. Allele origin: germline.

CeGaT Center for Human Genetics Tuebingen
Classification: Uncertain significance. Last evaluated: 2022-12-01. Review status: criteria provided, single submitter. Criteria: CeGaT Center For Human Genetics Tuebingen Variant Classification Criteria Version 2. Collection method: clinical testing. Allele origin: germline. Affected: yes. Observed: 1 variant allele.
Comment: CELSR3: PP2